The following is an entry in ClinVar:

NM_000082.4(ERCC8):c.378del (p.Trp127fs)

Genes: ERCC8 (ERCC excision repair 8, CSA ubiquitin ligase complex subunit; minus strand), ERCC8-AS1 (ERCC8 antisense RNA 1; plus strand). Cytogenetic location: 5q12.1.
Variant type: Deletion.
Coding change: c.378del on transcript NM_000082.4 (MANE Select); coding-DNA position 378, one base deleted (A; older notation c.378delA).
Protein change: p.Trp127fs; shifts the reading frame from tryptophan 127.
Molecular consequence: frameshift variant. On other transcripts: initiator codon variant (1).
Genome position (GRCh38, 1-based): chr5:60,918,286, T deleted on the plus strand (A on the coding strand, the reverse complement: ERCC8 is on the minus strand). VCF-style (leftmost placement, unchanged base first): chr5-60918285-AT-A. GRCh37 (hg19) VCF-style: chr5-60214112-AT-A.
Other names: c.204del, p.Trp69fs (NM_001007233.3); c.378del, p.Trp127fs (NM_001007234.3); c.1del, p.Met1fs (NM_001290285.2); short protein forms M1fs, W127fs, W69fs.
Identifiers: ClinVar variation 2795688 (VCV002795688.4), dbSNP rs1749497228, ClinGen allele CA1076609374.

ClinVar aggregate classification (germline): Pathogenic/Likely pathogenic. Review status: criteria provided, multiple submitters, no conflicts (2 of 4 stars). 2 submissions from 2 submitters: Pathogenic (1); Likely pathogenic (1). Last evaluated 2024-03-28.

Conditions:
Cockayne syndrome type 1. Also called: Cockayne syndrome type I; Cockayne syndrome classical; Cockayne syndrome classic form. Identifiers: Orphanet 191, Orphanet 90321, MedGen C0751039, MONDO:0019569, OMIM 216400.
UV-sensitive syndrome 2 (UVSS2). Identifiers: Orphanet 178338, MedGen C3553298, MONDO:0013829, OMIM 614621.

Allele frequency attached by ClinVar (database versions not stated): gnomAD 0.00001.

Submissions (2):

Fulgent Genetics
Classification: Likely pathogenic for Cockayne syndrome type 1; UV-sensitive syndrome 2. Last evaluated: 2024-03-28. Review status: criteria provided, single submitter. Criteria: ACMG Guidelines, 2015. Collection method: clinical testing. Allele origin: germline.

Labcorp Genetics (formerly Invitae), Labcorp
Classification: Pathogenic. Last evaluated: 2023-06-01. Review status: criteria provided, single submitter. Criteria: Invitae Variant Classification Sherloc (09022015). Collection method: clinical testing. Allele origin: germline.
Comment: For these reasons, this variant has been classified as Pathogenic. This variant has not been reported in the literature in individuals affected with ERCC8-related conditions. This sequence change creates a premature translational stop signal (p.Trp127Glyfs*33) in the ERCC8 gene. It is expected to result in an absent or disrupted protein product. Loss-of-function variants in ERCC8 are known to be pathogenic (PMID: 29572252). This variant is not present in population databases (gnomAD no frequency).

Literature cited by the submitters: PubMed 29572252 (cited by Labcorp Genetics (formerly Invitae), Labcorp).